The following is an entry in ClinVar:

ClinVar aggregate classification (germline): Uncertain significance (0 of 4 stars; one submission).

Conditions:
DPF2-related disorder. Also called: DPF2-related condition.

Submission:

PreventionGenetics, part of Exact Sciences
Classification: Uncertain significance for DPF2-related condition. Last evaluated: 2024-09-19. Review status: no assertion criteria provided. Collection method: clinical testing. Allele origin: germline.
Comment: The DPF2 c.359A>G variant is predicted to result in the amino acid substitution p.Glu120Gly. To our knowledge, this variant has not been reported in the literature or in a large population database, indicating this variant is rare. At this time, the clinical significance of this variant is uncertain due to the absence of conclusive functional and genetic evidence.

NM_006268.5(DPF2):c.359A>G (p.Glu120Gly)

Gene: DPF2 (double PHD fingers 2; plus strand). Cytogenetic location: 11q13.1.
Variant type: single nucleotide variant.
Coding change: c.359A>G on transcript NM_006268.5 (MANE Select); coding-DNA position 359, A replaced by G.
Protein change: p.Glu120Gly; replaces glutamic acid 120 with glycine.
Molecular consequence: missense variant.
Genome position (GRCh38, 1-based): chr11:65,341,456, A>G. VCF-style: chr11-65341456-A-G. GRCh37 (hg19) VCF-style: chr11-65108927-A-G.
Other names: c.359A>G, p.Glu120Gly (NM_001330308.2); short protein forms E120G.
Identifiers: ClinVar variation 3357980 (VCV003357980.1).